The following is an entry in ClinVar:

ClinVar aggregate classification (germline): Pathogenic (1 of 4 stars; one submission).

Conditions:
Cardiac arrhythmia. Also called: Arrhythmia; Cardiac rhythm disease. Identifiers: MedGen C0003811, MONDO:0007263, HP:0011675.

Submission:

Color Diagnostics, LLC DBA Color Health
Classification: Pathogenic for Cardiac arrhythmia. Last evaluated: 2025-07-25. Review status: criteria provided, single submitter. Criteria: ACMG Guidelines, 2015. Collection method: clinical testing. Allele origin: germline.
Comment: This variant deletes 1 nucleotide in exon 2 of the KCNH2 gene, creating a frameshift and premature translation stop signal. This variant is expected to result in an absent or non-functional protein product. To our knowledge, this variant has not been reported in individuals affected with KCNH2-related disorders in the literature. This variant has not been identified in the general population by the Genome Aggregation Database (gnomAD). Loss of KCNH2 function is a known mechanism of disease. Based on the available evidence, this variant is classified as Pathogenic.

NM_000238.4(KCNH2):c.241del (p.Gln81fs)

Gene: KCNH2 (potassium voltage-gated channel subfamily H member 2; minus strand). Cytogenetic location: 7q36.1.
Variant type: Deletion.
Coding change: c.241del on transcript NM_000238.4 (MANE Select); coding-DNA position 241, one base deleted (C; older notation c.241delC).
Protein change: p.Gln81fs; shifts the reading frame from glutamine 81.
Molecular consequence: frameshift variant. On other transcripts: non-coding transcript variant (1).
Genome position (GRCh38, 1-based): chr7:150,974,777, G deleted on the plus strand (C on the coding strand, the reverse complement: KCNH2 is on the minus strand). VCF-style (leftmost placement, unchanged base first): chr7-150974776-TG-T. GRCh37 (hg19) VCF-style: chr7-150671864-TG-T.
Other names: c.64del, p.Gln22fs (NM_001406755.1); c.241del, p.Gln81fs (NM_172056.3); short protein forms Q22fs, Q81fs.
Identifiers: ClinVar variation 4758983 (VCV004758983.1).